The following is an entry in ClinVar:

NM_002230.4(JUP):c.592G>T (p.Asp198Tyr)

Gene: JUP (junction plakoglobin; minus strand). Cytogenetic location: 17q21.2.
Variant type: single nucleotide variant.
Coding change: c.592G>T on transcript NM_002230.4 (MANE Select); coding-DNA position 592, G replaced by T.
Protein change: p.Asp198Tyr; replaces aspartic acid 198 with tyrosine.
Molecular consequence: missense variant.
Genome position (GRCh38, 1-based): chr17:41,769,084, C>A on the plus strand (G>T on the coding strand, the complement: JUP is on the minus strand). VCF-style: chr17-41769084-C-A. GRCh37 (hg19) VCF-style: chr17-39925336-C-A.
Other names: c.592G>T, p.Asp198Tyr (NM_001352773.2, NM_001352774.2, NM_001352775.2 and 3 more transcripts); short protein forms D198Y.
Identifiers: ClinVar variation 4040986 (VCV004040986.1).
Genomic context (GRCh38, chr17:41,769,084, plus strand): 5'-CCTCCCGGTGGTGGGAGAGGTTGTGCAGGATGCTGGTGGTGCAGCGGGCTGTGTCCAGGT[C>A]GCTGGTATTCTGCATGGTACGCACGACAGCGGCCACCAGCTGGGGCGAGCCCATCAGGGC-3'
Protein context (NP_002221.1, residues 188-208): AVVRTMQNTS[Asp198Tyr]LDTARCTTSI

ClinVar aggregate classification (germline): Uncertain significance (1 of 4 stars; one submission).

Conditions:
Cardiovascular phenotype. Identifiers: MedGen CN230736.

Submission:

Ambry Genetics
Classification: Uncertain significance for Cardiovascular phenotype. Last evaluated: 2025-04-14. Review status: criteria provided, single submitter. Criteria: Ambry Variant Classification Scheme 2023. Collection method: clinical testing. Allele origin: germline.
Comment: The p.D198Y variant (also known as c.592G>T), located in coding exon 3 of the JUP gene, results from a G to T substitution at nucleotide position 592. The aspartic acid at codon 198 is replaced by tyrosine, an amino acid with highly dissimilar properties. This amino acid position is conserved. In addition, this alteration is predicted to be deleterious by in silico analysis. Based on the available evidence, the clinical significance of this variant remains unclear.